The following is an entry in ClinVar:

ClinVar aggregate classification (germline): Conflicting classifications of pathogenicity. Review status: criteria provided, conflicting classifications (1 of 4 stars). 10 submissions from 10 submitters: Uncertain significance (2); Likely benign (8). Last evaluated 2026-03-01.

Conditions:
Hereditary spastic paraplegia. Also called: Familial spastic paraparesis. Identifiers: Orphanet 685, MedGen C0037773, MONDO:0019064. Disease mechanism: loss of function.
Inborn genetic diseases. Identifiers: MedGen C0950123, MeSH D030342.
Hereditary spastic paraplegia 11. Also called: Nakamura Osame syndrome; Autosomal recessive hereditary spastic paraplegia, mental impairment, and thin corpus callosum; Spastic Paraplegia 11; Spastic paraplegia, mental retardation and thin corpus callosum; SPASTIC PARAPLEGIA, AUTOSOMAL RECESSIVE, COMPLICATED, WITH THIN CORPUS CALLOSUM; SPASTIC PARAPLEGIA, AUTOSOMAL RECESSIVE, WITH MENTAL IMPAIRMENT AND THIN CORPUS CALLOSUM. Identifiers: Orphanet 2822, MedGen C1858479, MONDO:0011445, OMIM 604360.

Allele frequency attached by ClinVar (database versions not stated): 1000 Genomes Project 30x 0.00016; 1000 Genomes Project 0.00020; ExAC 0.00095; ESP Exome Variant Server 0.00100; gnomAD exomes 0.00100 and 0.00116; TOPMed 0.00121; gnomAD 0.00126 and 0.00127.
gnomAD v4.1: 1,889 of 1,614,074 alleles (0.12%); highest among the groups gnomAD compares: Admixed American, 0.18%; 2 homozygotes.

Submissions (10):

CeGaT Center for Human Genetics Tuebingen
Classification: Likely benign. Last evaluated: 2026-03-01. Review status: criteria provided, single submitter. Criteria: CeGaT Center For Human Genetics Tuebingen Variant Classification Criteria Version 2. Collection method: clinical testing. Allele origin: germline. Affected: yes. Observed: 8 variant alleles.
Comment: SPG11: BP4

Labcorp Genetics (formerly Invitae), Labcorp
Classification: Likely benign for Hereditary spastic paraplegia 11. Last evaluated: 2026-01-27. Review status: criteria provided, single submitter. Criteria: Invitae Variant Classification Sherloc (09022015). Collection method: clinical testing. Allele origin: germline.

Mayo Clinic Laboratories, Mayo Clinic
Classification: Likely benign. Last evaluated: 2025-07-29. Review status: criteria provided, single submitter. Criteria: ACMG Guidelines, 2015. Collection method: clinical testing. Allele origin: germline. Observed: 10 variant alleles.
Comment: BP4, BP7

Laboratory of Genetics, Children's Clinical University Hospital Latvia
Classification: Likely benign. Last evaluated: 2025-02-16. Review status: criteria provided, single submitter. Criteria: ACMG Guidelines, 2015. Collection method: clinical testing. Allele origin: germline. Affected: yes.

Blueprint Genetics
Classification: Likely benign. Last evaluated: 2024-11-21. Review status: criteria provided, single submitter. Criteria: ACMG Guidelines, 2015. Collection method: clinical testing. Allele origin: germline.

Ambry Genetics
Classification: Likely benign for Inborn genetic diseases. Last evaluated: 2019-07-11. Review status: criteria provided, single submitter. Criteria: Ambry Variant Classification Scheme 2023. Collection method: clinical testing. Allele origin: germline.

Illumina Laboratory Services, Illumina
Classification: Uncertain significance for Hereditary spastic paraplegia 11. Last evaluated: 2018-01-13. Review status: criteria provided, single submitter. Criteria: ICSL Variant Classification Criteria 13 December 2019. Collection method: clinical testing. Allele origin: germline.

GeneDx
Classification: Likely benign. Last evaluated: 2017-03-30. Review status: criteria provided, single submitter. Criteria: GeneDx Variant Classification (06012015). Collection method: clinical testing. Allele origin: germline. Affected: yes.
Comment: This variant is considered likely benign or benign based on one or more of the following criteria: it is a conservative change, it occurs at a poorly conserved position in the protein, it is predicted to be benign by multiple in silico algorithms, and/or has population frequency not consistent with disease.

Genome Diagnostics Laboratory, The Hospital for Sick Children
Classification: Uncertain significance for Hereditary spastic paraplegia. Last evaluated: 2016-12-12. Review status: criteria provided, single submitter. Criteria: ACMG Guidelines, 2015. Collection method: clinical testing. Allele origin: germline. Affected: yes.

Athena Diagnostics
Classification: Likely benign. Last evaluated: 2016-08-30. Review status: criteria provided, single submitter. Criteria: Athena Diagnostics Criteria. Collection method: clinical testing. Allele origin: germline.

NM_025137.4(SPG11):c.2887A>C (p.Arg963=)

Gene: SPG11 (SPG11 vesicle trafficking associated, spatacsin; minus strand). Cytogenetic location: 15q21.1.
Variant type: single nucleotide variant.
Coding change: c.2887A>C on transcript NM_025137.4 (MANE Select); coding-DNA position 2887, A replaced by C.
Protein change: p.Arg963=; no amino-acid change (arginine 963 retained).
Molecular consequence: synonymous variant.
Genome position (GRCh38, 1-based): chr15:44,615,514, T>G on the plus strand (A>C on the coding strand, the complement: SPG11 is on the minus strand). VCF-style: chr15-44615514-T-G. GRCh37 (hg19) VCF-style: chr15-44907712-T-G.
Other names: p.Arg963=; c.2887A>C, p.Arg963= (NM_001160227.2).
Identifiers: ClinVar variation 215942 (VCV000215942.47), dbSNP rs150689014, ClinGen allele CA339114.